The following is an entry in ClinVar:

NM_003709.4(KLF7):c.286G>C (p.Asp96His)

Gene: KLF7 (KLF transcription factor 7; minus strand). Cytogenetic location: 2q33.3.
Variant type: single nucleotide variant.
Coding change: c.286G>C on transcript NM_003709.4 (MANE Select); coding-DNA position 286, G replaced by C.
Protein change: p.Asp96His; replaces aspartic acid 96 with histidine.
Molecular consequence: missense variant.
Genome position (GRCh38, 1-based): chr2:207,124,221, C>G on the plus strand (G>C on the coding strand, the complement: KLF7 is on the minus strand). VCF-style: chr2-207124221-C-G. GRCh37 (hg19) VCF-style: chr2-207988945-C-G.
Other names: c.286G>C, p.Asp96His (NM_001270942.1); c.187G>C, p.Asp63His (NM_001270943.2); c.202G>C, p.Asp68His (NM_001270944.2); short protein forms D63H, D68H, D96H.
Identifiers: ClinVar variation 3898830 (VCV003898830.1).

ClinVar aggregate classification (germline): Uncertain significance (1 of 4 stars; one submission).

Submission:

GeneDx
Classification: Uncertain significance. Last evaluated: 2024-11-12. Review status: criteria provided, single submitter. Criteria: GeneDx Variant Classification Process June 2021. Collection method: clinical testing. Allele origin: germline. Affected: yes.
Comment: Not observed at significant frequency in large population cohorts (gnomAD); In silico analysis supports that this missense variant has a deleterious effect on protein structure/function; Has not been previously published as pathogenic or benign to our knowledge